The following is an entry in ClinVar:

NM_023110.3(FGFR1):c.2107G>C (p.Gly703Arg)

Gene: FGFR1 (fibroblast growth factor receptor 1; minus strand). Cytogenetic location: 8p11.23.
Variant type: single nucleotide variant.
Coding change: c.2107G>C on transcript NM_023110.3 (MANE Select); coding-DNA position 2107, G replaced by C.
Protein change: p.Gly703Arg; replaces glycine 703 with arginine.
Molecular consequence: missense variant.
Genome position (GRCh38, 1-based): chr8:38,414,231, C>G on the plus strand (G>C on the coding strand, the complement: FGFR1 is on the minus strand). VCF-style: chr8-38414231-C-G. GRCh37 (hg19) VCF-style: chr8-38271749-C-G.
Other names: c.2101G>C, p.Gly701Arg (NM_001174063.2, NM_001174065.2, NM_001354367.2 and 1 more transcripts); c.2077G>C, p.Gly693Arg (NM_001174064.2); c.1840G>C, p.Gly614Arg (NM_001174066.2, NM_023105.3); c.2200G>C, p.Gly734Arg (NM_001174067.2); c.1828G>C, p.Gly610Arg (NM_001354368.2); c.2095G>C, p.Gly699Arg (NM_001354369.2); c.1834G>C, p.Gly612Arg (NM_001354370.2, NM_023106.3); short protein forms G610R, G612R, G614R, G693R, G699R, G701R, G703R, G734R.
Identifiers: ClinVar variation 1303079 (VCV001303079.3), dbSNP rs768957161, ClinGen allele CA370728782.
Genomic context (GRCh38, chr8:38,414,231, plus strand): 5'-TGGGCTTGTCCATGCGGTGACCCTCCTTCAGCAGCTTGAAAAGTTCCTCCACAGGCACAC[C>G]GGGGTATGGGGAGCCGCCCAGAGTGAAGATCTCCCACAGGAGCACCCCGAAAGACCACCT-3'
Protein context (NP_075598.2, residues 693-713): IFTLGGSPYP[Gly703Arg]VPVEELFKLL

ClinVar aggregate classification (germline): Uncertain significance. Review status: criteria provided, multiple submitters, no conflicts (2 of 4 stars). 2 submissions from 2 submitters: Uncertain significance (2). Last evaluated 2023-05-04.

Conditions:
Hypogonadotropic hypogonadism 2 with or without anosmia (HH2). Also called: HYPOGONADOTROPIC HYPOGONADISM 2 WITHOUT ANOSMIA; FGFR1-Related GnRH Deficiency (Kallmann Syndrome 2); HYPOGONADOTROPIC HYPOGONADISM 2 WITH OR WITHOUT ANOSMIA, SUSCEPTIBILITY TO; HYPOGONADOTROPIC HYPOGONADISM 2 WITHOUT ANOSMIA, SUSCEPTIBILITY TO. Identifiers: Orphanet 478, MedGen C1563720, MONDO:0007844, OMIM 147950. Disease mechanism: loss of function.

Submissions (2):

Reproductive Endocrine Unit, Massachusetts General Hospital
Classification: Uncertain significance for Hypogonadotropic hypogonadism 2 with or without anosmia. Last evaluated: 2023-05-04. Review status: criteria provided, single submitter. Criteria: ACMG Guidelines, 2015. Collection method: research. Allele origin: inherited. Affected: yes. Observed: 1 variant allele.

GeneDx
Classification: Uncertain significance. Last evaluated: 2020-10-01. Review status: criteria provided, single submitter. Criteria: GeneDx Variant Classification Process June 2021. Collection method: clinical testing. Allele origin: germline. Affected: yes.
Comment: Reported in a patient with idiopathic hypogonadotropic hypogonadism, absent puberty, cryptorchidism, and anosmia in the published literature (Pitteloud et al., 2006); In silico analysis supports that this missense variant has a deleterious effect on protein structure/function; Not observed in large population cohorts (Lek et al., 2016); This variant is associated with the following publications: (PMID: 23329143, 23643382, 19707180, 16764984)